The following is an entry in ClinVar:

NM_021930.6(RINT1):c.1202T>G (p.Leu401Trp)

Gene: RINT1 (RAD50 interactor 1; plus strand). Cytogenetic location: 7q22.3.
Variant type: single nucleotide variant.
Coding change: c.1202T>G on transcript NM_021930.6 (MANE Select); coding-DNA position 1202, T replaced by G.
Protein change: p.Leu401Trp; replaces leucine 401 with tryptophan.
Molecular consequence: missense variant. On other transcripts: non-coding transcript variant (1).
Genome position (GRCh38, 1-based): chr7:105,550,355, T>G. VCF-style: chr7-105550355-T-G. GRCh37 (hg19) VCF-style: chr7-105190802-T-G.
Other names: c.968T>G, p.Leu323Trp (NM_001346599.2); c.179T>G, p.Leu60Trp (NM_001346600.2, NM_001346603.2); c.278T>G, p.Leu93Trp (NM_001346601.2); short protein forms L323W, L60W, L93W, L401W.
Identifiers: ClinVar variation 5028294 (VCV005028294.1).
Genomic context (GRCh38, chr7:105,550,355, plus strand): 5'-TTGAGAAGTTAGCCACTGATATTCCTTGTCTGCTATATGATGACAATCTCTTCTGTCATT[T>G]GGTGGATGAAGTACTCTTGTTTGAAAGGGAGCTACACAGTGTTCATGGCTATCCTGGCAC-3'
Protein context (NP_068749.3, residues 391-411): LLYDDNLFCH[Leu401Trp]VDEVLLFERE

ClinVar aggregate classification (germline): Uncertain significance (1 of 4 stars; one submission).

Submission:

Ambry Genetics
Classification: Uncertain significance. Last evaluated: 2026-08-16. Review status: criteria provided, single submitter. Criteria: Ambry Variant Classification Scheme 2023. Collection method: clinical testing. Allele origin: germline.
Comment: The p.L401W variant (also known as c.1202T>G), located in coding exon 9 of the RINT1 gene, results from a T to G substitution at nucleotide position 1202. The leucine at codon 401 is replaced by tryptophan, an amino acid with similar properties. This amino acid position is conserved. In addition, this alteration is predicted to be deleterious by in silico analysis. Based on the available evidence, the clinical significance of this variant remains unclear.